The following is an entry in ClinVar:

ClinVar aggregate classification (germline): Pathogenic/Likely pathogenic. Review status: criteria provided, multiple submitters, no conflicts (2 of 4 stars). 6 submissions from 6 submitters: Pathogenic (3); Likely pathogenic (2). 1 of the submissions does not count toward it. Last evaluated 2025-05-27.

Conditions:
Spastic paraplegia 30A, autosomal dominant. Identifiers: MedGen CN380650, MONDO:0700307, OMIM 610357.
Hereditary spastic paraplegia 30. Identifiers: Orphanet 101010, MedGen C5235139, MONDO:0012476.
Neuropathy, hereditary sensory, type 2C. Also called: Hereditary sensory and autonomic neuropathy type IIC; KIF1A-Related HSAN2 (HSAN2C). Identifiers: Orphanet 970, MedGen C3280168, MONDO:0013634, OMIM 614213.
Intellectual disability, autosomal dominant 9 (NESCAVS). Also called: NESCAV SYNDROME; KIF1A-Related Neurodevelopmental Disorder. Identifiers: Orphanet 662367, MedGen C5393830, MONDO:0013656, OMIM 614255.

Allele frequency attached by ClinVar (database versions not stated): TOPMed below 0.00001; gnomAD 0.00001.
gnomAD v4.1: 1 of 1,613,514 alleles (0.000062%); highest among the groups gnomAD compares: African/African-American, 0.0013%; no homozygotes.

Submissions (6):

Variantyx, Inc.
Classification: Pathogenic for Spastic paraplegia 30A, autosomal dominant. Last evaluated: 2025-05-27. Review status: criteria provided, single submitter. Criteria: Variantyx Assertion Criteria 2022. Collection method: clinical testing. Allele origin: de novo. Inheritance: Autosomal dominant inheritance. Affected: yes.
Comment: This is a nonsynonymous variant in the KIF1A gene (OMIM: 601255). Pathogenic variants in this gene have been associated with autosomal dominant spastic paraplegia 30. This variant has been reported in at least one affected individual (PMID: 26410750) (PS4), and it likely occurred de novo in individuals reported in the published literature, however, the possibility of parental germline mosaicism cannot be excluded (PMID: 25265257 ) (PS2). The alteration lies within a known hotspot for pathogenic variants or a well-established critical functional domain of the KIF1A protein (PMID: 25265257 , 20427314) (PM1), and multiple computational algorithms predict a deleterious effect for this variant (REVEL score: 0.917) (PP3). This variant has a 0.0024% maximum allele frequency in non-founder control populations (PM2). Based on the current evidence, this variant is classified as pathogenic for autosomal dominant spastic paraplegia 30.

Labcorp Genetics (formerly Invitae), Labcorp
Classification: Pathogenic for Hereditary spastic paraplegia 30; Neuropathy, hereditary sensory, type 2C; Intellectual disability, autosomal dominant 9. Last evaluated: 2022-11-28. Review status: criteria provided, single submitter. Criteria: Invitae Variant Classification Sherloc (09022015). Collection method: clinical testing. Allele origin: germline.
Comment: For these reasons, this variant has been classified as Pathogenic. Advanced modeling of protein sequence and biophysical properties (such as structural, functional, and spatial information, amino acid conservation, physicochemical variation, residue mobility, and thermodynamic stability) performed at Invitae indicates that this missense variant is expected to disrupt KIF1A protein function. ClinVar contains an entry for this variant (Variation ID: 162055). This missense change has been observed in individual(s) with autosomal dominant hereditary spastic paraplegia (PMID: 25265257, 26410750). In at least one individual the variant was observed to be de novo. This variant is not present in population databases (gnomAD no frequency). This sequence change replaces arginine, which is basic and polar, with cysteine, which is neutral and slightly polar, at codon 167 of the KIF1A protein (p.Arg167Cys).

Institute of Medical Genetics and Applied Genomics, University Hospital Tübingen
Classification: Likely pathogenic. Last evaluated: 2020-10-23. Review status: criteria provided, single submitter. Criteria: ACMG Guidelines, 2015. Collection method: clinical testing. Allele origin: germline. Inheritance: Autosomal unknown. Affected: yes.

SIB Swiss Institute of Bioinformatics
Classification: Likely pathogenic for Intellectual disability, autosomal dominant 9. Last evaluated: 2020-06-15. Review status: criteria provided, single submitter. Criteria: ACMG Guidelines, 2015. Collection method: curation. Allele origin: unknown.
Comment: This variant is interpreted as likely pathogenic for NESCAV syndrome, autosomal dominant. The following ACMG Tag(s) were applied: Absent from controls (or at extremely low frequency if recessive) in Exome Sequencing Project, 1000 Genomes Project, or Exome Aggregation Consortium (PM2); Assumed de novo, but no confirmation of paternity and maternity (PM6); Multiple lines of computational evidence support a deleterious effect on the gene or gene product (PP3); Missense variant in a gene that has a low rate of benign missense variation and in which missense variants are a common mechanism of disease (PP2).

Paris Brain Institute, Inserm - ICM
Classification: Pathogenic for Spastic paraplegia 30A, autosomal dominant. Review status: criteria provided, single submitter. Criteria: ACMG Guidelines, 2015. Collection method: clinical testing. Allele origin: unknown. Affected: yes. Observed: 1 variant allele.

CHU Sainte-Justine Research Center, University of Montreal
Classification: Likely pathogenic for Mental retardation, autosomal dominant 9. Last evaluated: 2014-01-01. Review status: no assertion criteria provided. Collection method: clinical testing. Allele origin: de novo. Inheritance: Sporadic. Affected: yes. Observed: 1 variant allele, 1 heterozygote. Not counted in ClinVar's aggregate classification.

Literature cited by the submitters: PubMed 25265257 (cited by 4 submitters); PubMed 20427314 (cited by Variantyx, Inc.); PubMed 26410750 (cited by Variantyx, Inc. and Labcorp Genetics (formerly Invitae), Labcorp).

NM_001244008.2(KIF1A):c.499C>T (p.Arg167Cys)

Gene: KIF1A (kinesin family member 1A; minus strand). Cytogenetic location: 2q37.3.
Variant type: single nucleotide variant.
Coding change: c.499C>T on transcript NM_001244008.2 (MANE Select); coding-DNA position 499, C replaced by T.
Protein change: p.Arg167Cys; replaces arginine 167 with cysteine.
Molecular consequence: missense variant.
Genome position (GRCh38, 1-based): chr2:240,786,444, G>A on the plus strand (C>T on the coding strand, the complement: KIF1A is on the minus strand). VCF-style: chr2-240786444-G-A. GRCh37 (hg19) VCF-style: chr2-241725861-G-A.
Other names: c.499C>T, p.Arg167Cys (NM_001320705.2, NM_001330289.2, NM_001330290.2 and 20 more transcripts); short protein forms R167C.
Identifiers: ClinVar variation 162055 (VCV000162055.16), dbSNP rs672601365, ClinGen allele CA212621.